The following is an entry in ClinVar:

ClinVar aggregate classification (germline): Uncertain significance. Review status: criteria provided, multiple submitters, no conflicts (2 of 4 stars). 2 submissions from 2 submitters: Uncertain significance (2). Last evaluated 2026-07-07.

Conditions:
Hereditary cancer-predisposing syndrome. Also called: Hereditary Cancer Syndrome; Neoplastic Syndromes, Hereditary; Hereditary neoplastic syndrome; Tumor predisposition. Identifiers: Orphanet 140162, MedGen C0027672, MeSH D009386, MONDO:0015356.
Haddad syndrome (OHD). Also called: Ondine-Hirschsprung disease. Identifiers: Orphanet 99803, MedGen C1859049, MONDO:0020493.

Submissions (2):

Ambry Genetics
Classification: Uncertain significance for Hereditary cancer-predisposing syndrome. Last evaluated: 2026-07-07. Review status: criteria provided, single submitter. Criteria: Ambry Variant Classification Scheme 2023. Collection method: clinical testing. Allele origin: germline.
Comment: The p.Y83H variant (also known as c.247T>C), located in coding exon 2 of the PHOX2B gene, results from a T to C substitution at nucleotide position 247. The tyrosine at codon 83 is replaced by histidine, an amino acid with similar properties. This amino acid position is conserved. In addition, this alteration is predicted to be deleterious by in silico analysis. Based on the available evidence, the clinical significance of this variant remains unclear.

Labcorp Genetics (formerly Invitae), Labcorp
Classification: Uncertain significance for Haddad syndrome. Last evaluated: 2021-09-29. Review status: criteria provided, single submitter. Criteria: Invitae Variant Classification Sherloc (09022015). Collection method: clinical testing. Allele origin: germline.
Comment: In summary, the available evidence is currently insufficient to determine the role of this variant in disease. Therefore, it has been classified as a Variant of Uncertain Significance. Algorithms developed to predict the effect of missense changes on protein structure and function (SIFT, PolyPhen-2, Align-GVGD) all suggest that this variant is likely to be disruptive. This variant has not been reported in the literature in individuals affected with PHOX2B-related conditions. This variant is not present in population databases (ExAC no frequency). This sequence change replaces tyrosine with histidine at codon 83 of the PHOX2B protein (p.Tyr83His). The tyrosine residue is highly conserved and there is a moderate physicochemical difference between tyrosine and histidine.

NM_003924.4(PHOX2B):c.247T>C (p.Tyr83His)

Gene: PHOX2B (paired like homeobox 2B; minus strand). Cytogenetic location: 4p13.
Variant type: single nucleotide variant.
Coding change: c.247T>C on transcript NM_003924.4 (MANE Select); coding-DNA position 247, T replaced by C.
Protein change: p.Tyr83His; replaces tyrosine 83 with histidine.
Molecular consequence: missense variant.
Genome position (GRCh38, 1-based): chr4:41,747,531, A>G on the plus strand (T>C on the coding strand, the complement: PHOX2B is on the minus strand). VCF-style: chr4-41747531-A-G. GRCh37 (hg19) VCF-style: chr4-41749548-A-G.
Other names: c.247T>C (NM_003924.3); short protein forms Y83H.
Identifiers: ClinVar variation 1383818 (VCV001383818.7), dbSNP rs2153112951, ClinGen allele CA356740612.